The following is an entry in ClinVar:

ClinVar aggregate classification (germline): Uncertain significance (1 of 4 stars; one submission).

Conditions:
Dyskeratosis congenita, autosomal dominant 6 (DKCA6). Identifiers: Orphanet 3322, MedGen C4225284, MONDO:0014690, OMIM 616553.

Submission:

Labcorp Genetics (formerly Invitae), Labcorp
Classification: Uncertain significance for Dyskeratosis congenita, autosomal dominant 6. Last evaluated: 2024-09-18. Review status: criteria provided, single submitter. Criteria: Invitae Variant Classification Sherloc (09022015). Collection method: clinical testing. Allele origin: germline.
Comment: This sequence change creates a premature translational stop signal (p.Pro131Argfs*12) in the ACD gene. It is expected to result in an absent or disrupted protein product. However, the current clinical and genetic evidence is not sufficient to establish whether loss-of-function variants in ACD cause disease. This variant is not present in population databases (gnomAD no frequency). This variant has not been reported in the literature in individuals affected with ACD-related conditions. ClinVar contains an entry for this variant (Variation ID: 2033594). Experimental studies and prediction algorithms are not available or were not evaluated, and the functional significance of this variant is currently unknown. In summary, the available evidence is currently insufficient to determine the role of this variant in disease. Therefore, it has been classified as a Variant of Uncertain Significance.

NM_001082486.2(ACD):c.115_133dup (p.Pro45fs)

Gene: ACD (ACD shelterin complex subunit and telomerase recruitment factor; minus strand). Cytogenetic location: 16q22.1.
Variant type: Duplication.
Coding change: c.115_133dup on transcript NM_001082486.2 (MANE Select); coding-DNA positions 115 to 133, 19 bases duplicated (GAGGCCGCGGTCGCGGGCC).
Protein change: p.Pro45fs; shifts the reading frame from proline 45.
Molecular consequence: frameshift variant.
Genome position (GRCh38, 1-based): chr16:67,660,012-67,660,030, GGCCCGCGACCGCGGCCTC duplicated on the plus strand (GAGGCCGCGGTCGCGGGCC on the coding strand, the reverse complement: ACD is on the minus strand); duplicating any 19 consecutive bases within chr16:67,660,012-67,660,033 gives the same sequence; the c. name uses the placement nearest the transcript's 3' end. VCF-style (leftmost placement, unchanged base first): chr16-67660011-G-GGGCCCGCGACCGCGGCCTC. GRCh37 (hg19) VCF-style: chr16-67693914-G-GGGCCCGCGACCGCGGCCTC.
Other names: c.112_130dup, p.Pro45Argfs (NM_001410884.1); c.106_124dup, p.Pro42fs (NM_022914.3); short protein forms P42fs, P45fs.
Identifiers: ClinVar variation 2033594 (VCV002033594.4), dbSNP rs2543610594, ClinGen allele CA2580091998.